The following is an entry in ClinVar:

NM_001385012.1(NBEA):c.14A>G (p.Lys5Arg)

Gene: NBEA (neurobeachin; plus strand). Cytogenetic location: 13q13.3.
Variant type: single nucleotide variant.
Coding change: c.14A>G on transcript NM_001385012.1 (MANE Select); coding-DNA position 14, A replaced by G.
Protein change: p.Lys5Arg; replaces lysine 5 with arginine.
Molecular consequence: missense variant.
Genome position (GRCh38, 1-based): chr13:34,942,834, A>G. VCF-style: chr13-34942834-A-G. GRCh37 (hg19) VCF-style: chr13-35516971-A-G.
Other names: c.14A>G, p.Lys5Arg (NM_001379245.1, NM_015678.5); short protein forms K5R.
Identifiers: ClinVar variation 3235040 (VCV003235040.1), dbSNP rs1165734499, ClinGen allele CA387831625.

ClinVar aggregate classification (germline): Uncertain significance (1 of 4 stars; one submission).

Conditions:
Neurodevelopmental disorder with or without early-onset generalized epilepsy. Identifiers: MedGen C5436914, MONDO:0030930, OMIM 619157.

Allele frequency attached by ClinVar (database versions not stated): gnomAD 0.00001; gnomAD exomes 0.00002.
gnomAD v4.1: 20 of 1,355,632 alleles (0.0015%); highest among the groups gnomAD compares: South Asian, 0.0033%; no homozygotes.

Submission:

Neuberg Centre For Genomic Medicine, NCGM
Classification: Uncertain significance for Neurodevelopmental disorder with or without early-onset generalized epilepsy. Review status: criteria provided, single submitter. Criteria: ACMG Guidelines, 2015. Collection method: clinical testing. Allele origin: germline. Inheritance: Autosomal dominant inheritance. Affected: yes.
Comment: The missense variant c.14A>Gp.Lys5Arg in NBEA gene has not been reported previously as a pathogenic variant nor as a benign variant, to our knowledge. The variant is novel not in any individuals in gnomAD Exomes and 1000 Genomes.The amino acid Lysine at position 5 is changed to a Arginine changing protein sequence and it might alter its composition and physico-chemical properties. The amino acid change p.Lys5Arg in NBEA is predicted as conserved by GERP++ and PhyloP across 100 vertebrates. For these reasons, this variant has been classified as Uncertain Significance.